The following is an entry in ClinVar:

ClinVar aggregate classification (germline): other (0 of 4 stars; one submission).

Conditions:
Familial colorectal cancer. Identifiers: MedGen CN280943, MONDO:0023113. Disease mechanism: loss of function.

Submission:

Systems Biology Platform Zhejiang California International NanoSystems Institute
Classification: other for Familial colorectal cancer. Review status: no assertion criteria provided. Collection method: not provided. Allele origin: unknown.
ClinVar note: Converted during submission from cancer to other.

NC_000005.10:g.112846419A>T

Variant type: single nucleotide variant.
Genome position: GRCh38 VCF-style: chr5-112846419-A-T. GRCh37 (hg19) VCF-style: chr5-112182116-A-T.
Identifiers: ClinVar variation 83265 (VCV000083265.2), dbSNP rs78516426, ClinGen allele CA250957.